The following is an entry in ClinVar:

ClinVar aggregate classification (germline): Likely pathogenic (1 of 4 stars; one submission).

Conditions:
Ehlers-Danlos syndrome, type 4 (EDSVASC). Also called: Ehlers-Danlos syndrome vascular type; Ehlers Danlos syndrome, ecchymotic type; Ehlers Danlos syndrome, arterial type; Ehlers Danlos syndrome, Sack-Barabas type; Ehlers-Danlos Syndrome Type IV. Identifiers: Orphanet 286, MedGen C0268338, MONDO:0017314, OMIM 130050.

Submission:

Labcorp Genetics (formerly Invitae), Labcorp
Classification: Likely pathogenic for Ehlers-Danlos syndrome, type 4. Last evaluated: 2023-02-06. Review status: criteria provided, single submitter. Criteria: Invitae Variant Classification Sherloc (09022015). Collection method: clinical testing. Allele origin: germline.
Comment: This variant disrupts the triple helix domain of COL3A1. Glycine residues within the Gly-Xaa-Yaa repeats of the triple helix domain are required for the structure and stability of fibrillar collagens (PMID: 7695699, 8218237, 19344236). In COL3A1, variants that affect these glycine residues are significantly enriched in individuals with disease (PMID: 24922459, 25758994) compared to the general population (ExAC). This variant has not been reported in the literature in individuals affected with COL3A1-related conditions. Algorithms developed to predict the effect of missense changes on protein structure and function are either unavailable or do not agree on the potential impact of this missense change (SIFT: "Deleterious"; PolyPhen-2: "Not Available"; Align-GVGD: "Class C0"). In summary, the currently available evidence indicates that the variant is pathogenic, but additional data are needed to prove that conclusively. Therefore, this variant has been classified as Likely Pathogenic. This variant is not present in population databases (gnomAD no frequency). This sequence change replaces glycine, which is neutral and non-polar, with cysteine, which is neutral and slightly polar, at codon 318 of the COL3A1 protein (p.Gly318Cys).

Literature cited by the submitters: PubMed 7695699; PubMed 8218237; PubMed 19344236; PubMed 24922459; PubMed 25758994.

NM_000090.4(COL3A1):c.952G>T (p.Gly318Cys)

Gene: COL3A1 (collagen type III alpha 1 chain; plus strand). Cytogenetic location: 2q32.2.
Variant type: single nucleotide variant.
Coding change: c.952G>T on transcript NM_000090.4 (MANE Select); coding-DNA position 952, G replaced by T.
Protein change: p.Gly318Cys; replaces glycine 318 with cysteine.
Molecular consequence: missense variant.
Genome position (GRCh38, 1-based): chr2:188,992,184, G>T. VCF-style: chr2-188992184-G-T. GRCh37 (hg19) VCF-style: chr2-189856910-G-T.
Other names: short protein forms G318C.
Identifiers: ClinVar variation 2879992 (VCV002879992.3), dbSNP rs2469123111, ClinGen allele CA349850074.